The following is an entry in ClinVar:

ClinVar aggregate classification (germline): Uncertain significance (1 of 4 stars; one submission).

Submission:

Labcorp Genetics (formerly Invitae), Labcorp
Classification: Uncertain significance. Last evaluated: 2025-04-04. Review status: criteria provided, single submitter. Criteria: Invitae Variant Classification Sherloc (09022015). Collection method: clinical testing. Allele origin: germline.
Comment: This sequence change falls in intron 3 of the VPS4A gene. It does not directly change the encoded amino acid sequence of the VPS4A protein. It affects a nucleotide within the consensus splice site. This variant is not present in population databases (gnomAD no frequency). This variant has not been reported in the literature in individuals affected with VPS4A-related conditions. Variants that disrupt the consensus splice site are a relatively common cause of aberrant splicing (PMID: 17576681, 9536098). Algorithms developed to predict the effect of sequence changes on RNA splicing suggest that this variant may disrupt the consensus splice site. In summary, the available evidence is currently insufficient to determine the role of this variant in disease. Therefore, it has been classified as a Variant of Uncertain Significance.

Literature cited by the submitters: PubMed 17576681; PubMed 9536098.

NM_013245.3(VPS4A):c.281+4A>T

Genes: VPS4A (vacuolar protein sorting 4 homolog A; plus strand), LOC126862382 (CDK7 strongly-dependent group 2 enhancer GRCh37_chr16:69349279-69350478; plus strand). Cytogenetic location: 16q22.1.
Variant type: single nucleotide variant.
Coding change: c.281+4A>T on transcript NM_013245.3 (MANE Select); 4 bases into the intron after coding-DNA position 281, A replaced by T.
Molecular consequence: intron variant.
Genome position (GRCh38, 1-based): chr16:69,316,376, A>T. VCF-style: chr16-69316376-A-T. GRCh37 (hg19) VCF-style: chr16-69350279-A-T.
Identifiers: ClinVar variation 4716739 (VCV004716739.1).
Genomic context (GRCh38, chr16:69,316,376, plus strand): 5'-AAGCAAAGAGAAACACGGCAAGAAGCCAGTCAAAGAGAACCAGAGTGAGGGCAAGGGGTG[A>T]GTGTCTGCAGCGTCCGCCCAGGAACCTGGGCCCTCCTCACGGCTCCCTATCATTCCTGGC-3'